The following is an entry in ClinVar:

ClinVar aggregate classification (germline): Benign. Review status: criteria provided, multiple submitters, no conflicts (2 of 4 stars). 14 submissions from 14 submitters: Benign (11). 3 of the submissions do not count toward it. Last evaluated 2026-02-04.

Conditions:
Primary ciliary dyskinesia. Also called: Ciliary dyskinesia. Identifiers: Orphanet 244, MedGen C0008780, MONDO:0016575, HP:0012265.
Primary ciliary dyskinesia 3. Identifiers: Orphanet 244, MedGen C1837618, MONDO:0012085, OMIM 608644.

Allele frequency attached by ClinVar (database versions not stated): 1000 Genomes Project 30x 0.48766; 1000 Genomes Project 0.48782; gnomAD exomes 0.49983 and 0.50892; gnomAD 0.50354 and 0.50396; TOPMed 0.50546; ExAC 0.50729; ESP Exome Variant Server 0.51645.
gnomAD v4.1: 819,862 of 1,613,488 alleles (51%); highest among the groups gnomAD compares: South Asian, 62%; 211,044 homozygotes.

Submissions (14):

Labcorp Genetics (formerly Invitae), Labcorp
Classification: Benign for Primary ciliary dyskinesia. Last evaluated: 2026-02-04. Review status: criteria provided, single submitter. Criteria: Invitae Variant Classification Sherloc (09022015). Collection method: clinical testing. Allele origin: germline.

Blueprint Genetics
Classification: Benign. Last evaluated: 2024-11-26. Review status: criteria provided, single submitter. Criteria: ACMG Guidelines, 2015. Collection method: clinical testing. Allele origin: germline.

Mayo Clinic Laboratories, Mayo Clinic
Classification: Benign. Last evaluated: 2022-04-26. Review status: criteria provided, single submitter. Criteria: ACMG Guidelines, 2015. Collection method: clinical testing. Allele origin: germline. Observed: 150 variant alleles.

Genome-Nilou Lab
Classification: Benign for Primary ciliary dyskinesia 3. Last evaluated: 2021-07-30. Review status: criteria provided, single submitter. Criteria: ACMG Guidelines, 2015. Collection method: clinical testing. Allele origin: germline. Affected: no.

Pars Genome Lab
Classification: Benign for Primary ciliary dyskinesia 3. Last evaluated: 2021-06-15. Review status: criteria provided, single submitter. Criteria: ACMG Guidelines, 2015. Collection method: clinical testing. Allele origin: germline. Affected: no.

GeneDx
Classification: Benign. Last evaluated: 2018-11-28. Review status: criteria provided, single submitter. Criteria: GeneDx Variant Classification Process June 2021. Collection method: clinical testing. Allele origin: germline. Affected: yes.

Illumina Laboratory Services, Illumina
Classification: Benign for Primary ciliary dyskinesia 3. Last evaluated: 2018-01-12. Review status: criteria provided, single submitter. Criteria: ICSL Variant Classification Criteria 13 December 2019. Collection method: clinical testing. Allele origin: germline.
Comment: This variant was observed in the ICSL laboratory as part of a predisposition screen in an ostensibly healthy population. It had not been previously curated by ICSL or reported in the Human Gene Mutation Database (HGMD: prior to June 1st, 2018), and was therefore a candidate for classification through an automated scoring system. Utilizing variant allele frequency, disease prevalence and penetrance estimates, and inheritance mode, an automated score was calculated to assess if this variant is too frequent to cause the disease. Based on the score and internal cut-off values, a variant classified as benign is not then subjected to further curation. The score for this variant resulted in a classification of benign for this disease.

Ambry Genetics
Classification: Benign for Primary ciliary dyskinesia. Last evaluated: 2014-11-26. Review status: criteria provided, single submitter. Criteria: Ambry Variant Classification Scheme 2023. Collection method: clinical testing. Allele origin: germline.

Laboratory for Molecular Medicine, Mass General Brigham Personalized Medicine
Classification: Benign. Last evaluated: 2013-02-21. Review status: criteria provided, single submitter. Criteria: LMM Criteria. Collection method: clinical testing. Allele origin: germline. Observed: 80 variant alleles.
Comment: Ile766Leu in exon 16 of DNAH5: This variant is not expected to have clinical sig nificance because it has been identified in 49.2% (4232/8600) of European Americ an chromosomes from a broad population by the NHLBI Exome Sequencing Project (dbSNP rs4701997).

Breakthrough Genomics
Classification: Benign. Review status: criteria provided, single submitter. Criteria: ACMG Guidelines, 2015. Collection method: not provided. Allele origin: germline. Inheritance: Autosomal recessive inheritance. Affected: yes.

PreventionGenetics, part of Exact Sciences
Classification: Benign. Review status: criteria provided, single submitter. Criteria: ACMG Guidelines, 2015. Collection method: clinical testing. Allele origin: germline.

Natera, Inc.
Classification: Benign for Primary ciliary dyskinesia. Last evaluated: 2020-09-16. Review status: no assertion criteria provided. Collection method: clinical testing. Allele origin: germline. Not counted in ClinVar's aggregate classification.

Clinical Genetics DNA and cytogenetics Diagnostics Lab, Erasmus MC, Erasmus Medical Center
Classification: Benign. Review status: no assertion criteria provided. Collection method: clinical testing. Allele origin: germline. Affected: yes. Study: VKGL Data-share Consensus. Not counted in ClinVar's aggregate classification.

Diagnostic Laboratory, Department of Genetics, University Medical Center Groningen
Classification: Benign. Review status: no assertion criteria provided. Collection method: clinical testing. Allele origin: germline. Affected: yes. Study: VKGL Data-share Consensus. Not counted in ClinVar's aggregate classification.

NM_001369.3(DNAH5):c.2296A>T (p.Ile766Leu)

Genes: DNAH5 (dynein axonemal heavy chain 5; minus strand), DNAH5-AS1 (DNAH5 antisense RNA 1; plus strand). Cytogenetic location: 5p15.2.
Variant type: single nucleotide variant.
Coding change: c.2296A>T on transcript NM_001369.3 (MANE Select); coding-DNA position 2296, A replaced by T.
Protein change: p.Ile766Leu; replaces isoleucine 766 with leucine.
Molecular consequence: missense variant.
Genome position (GRCh38, 1-based): chr5:13,894,785, T>A on the plus strand (A>T on the coding strand, the complement: DNAH5 is on the minus strand). VCF-style: chr5-13894785-T-A. GRCh37 (hg19) VCF-style: chr5-13894894-T-A.
Other names: short protein forms I766L.
Identifiers: ClinVar variation 178753 (VCV000178753.35), dbSNP rs4701997, ClinGen allele CA182941.